The following is an entry in ClinVar:

ClinVar aggregate classification (germline): Uncertain significance (1 of 4 stars; one submission).

gnomAD v4.1: 6 of 1,613,156 alleles (0.00037%); highest among the groups gnomAD compares: African/African-American, 0.008%; no homozygotes.

Submission:

Labcorp Genetics (formerly Invitae), Labcorp
Classification: Uncertain significance. Last evaluated: 2021-12-02. Review status: criteria provided, single submitter. Criteria: Invitae Variant Classification Sherloc (09022015). Collection method: clinical testing. Allele origin: germline.
Comment: In summary, the available evidence is currently insufficient to determine the role of this variant in disease. Therefore, it has been classified as a Variant of Uncertain Significance. Algorithms developed to predict the effect of missense changes on protein structure and function (SIFT, PolyPhen-2, Align-GVGD) all suggest that this variant is likely to be tolerated. This variant has not been reported in the literature in individuals affected with SEPSECS-related conditions. This variant is present in population databases (no rsID available, gnomAD 0.02%). This sequence change replaces leucine, which is neutral and non-polar, with valine, which is neutral and non-polar, at codon 408 of the SEPSECS protein (p.Leu408Val).

NM_016955.4(SEPSECS):c.1222C>G (p.Leu408Val)

Gene: SEPSECS (Sep (O-phosphoserine) tRNA:Sec (selenocysteine) tRNA synthase; minus strand). Cytogenetic location: 4p15.2.
Variant type: single nucleotide variant.
Coding change: c.1222C>G on transcript NM_016955.4 (MANE Select); coding-DNA position 1222, C replaced by G.
Protein change: p.Leu408Val; replaces leucine 408 with valine.
Molecular consequence: missense variant.
Genome position (GRCh38, 1-based): chr4:25,124,215, G>C on the plus strand (C>G on the coding strand, the complement: SEPSECS is on the minus strand). VCF-style: chr4-25124215-G-C. GRCh37 (hg19) VCF-style: chr4-25125837-G-C.
Other names: short protein forms L408V.
Identifiers: ClinVar variation 1448477 (VCV001448477.5), dbSNP rs752082832, ClinGen allele CA356519700.